The following is an entry in ClinVar:

NM_006904.7(PRKDC):c.3586C>T (p.Pro1196Ser)

Gene: PRKDC (protein kinase, DNA-activated, catalytic subunit; minus strand). Cytogenetic location: 8q11.21.
Variant type: single nucleotide variant.
Coding change: c.3586C>T on transcript NM_006904.7 (MANE Select); coding-DNA position 3586, C replaced by T.
Protein change: p.Pro1196Ser; replaces proline 1196 with serine.
Molecular consequence: missense variant.
Genome position (GRCh38, 1-based): chr8:47,897,173, G>A on the plus strand (C>T on the coding strand, the complement: PRKDC is on the minus strand). VCF-style: chr8-47897173-G-A. GRCh37 (hg19) VCF-style: chr8-48809733-G-A.
Other names: c.3586C>T, p.Pro1196Ser (NM_001081640.2); short protein forms P1196S.
Identifiers: ClinVar variation 1732945 (VCV001732945.2), dbSNP rs766276609, ClinGen allele CA4741140.
Genomic context (GRCh38, chr8:47,897,173, plus strand): 5'-GGATAATAAAGCACCGTGGTGAAATTAAAGATATACAGATTACCATACCTGGCAATAAAG[G>A]AACGAATTTATAAAAGAGTTCAATGGATTTGTGTCGACATTCTGTCTGGGGCCTCCCACA-3'
Protein context (NP_008835.5, residues 1186-1206): KSIELFYKFV[Pro1196Ser]LLPGNRSPNL

ClinVar aggregate classification (germline): Uncertain significance (1 of 4 stars; one submission).

Allele frequency attached by ClinVar (database versions not stated): ExAC 0.00001.

Submission:

Ambry Genetics
Classification: Uncertain significance. Last evaluated: 2021-12-06. Review status: criteria provided, single submitter. Criteria: Ambry Variant Classification Scheme 2023. Collection method: clinical testing. Allele origin: germline.
Comment: The p.P1196S variant (also known as c.3586C>T), located in coding exon 30 of the PRKDC gene, results from a C to T substitution at nucleotide position 3586. The proline at codon 1196 is replaced by serine, an amino acid with similar properties. This amino acid position is conserved. In addition, this alteration is predicted to be tolerated by in silico analysis. Since supporting evidence is limited at this time, the clinical significance of this alteration remains unclear.